The following is an entry in ClinVar:

ClinVar aggregate classification (germline): Likely benign (0 of 4 stars; one submission).

Conditions:
CNBP-related disorder. Also called: CNBP-related condition.

Allele frequency attached by ClinVar (database versions not stated): TOPMed below 0.00001; gnomAD 0.00001; gnomAD exomes 0.00001.
gnomAD v4.1: 24 of 1,614,046 alleles (0.0015%); highest among the groups gnomAD compares: African/African-American, 0.0027%; no homozygotes.

Submission:

PreventionGenetics, part of Exact Sciences
Classification: Likely benign for CNBP-related condition. Last evaluated: 2019-05-30. Review status: no assertion criteria provided. Collection method: clinical testing. Allele origin: germline.
Comment: This variant is classified as likely benign based on ACMG/AMP sequence variant interpretation guidelines (Richards et al. 2015 PMID: 25741868, with internal and published modifications).

NM_003418.5(CNBP):c.231C>T (p.Cys77=)

Gene: CNBP (CCHC-type zinc finger nucleic acid binding protein; minus strand). Cytogenetic location: 3q21.3.
Variant type: single nucleotide variant.
Coding change: c.231C>T on transcript NM_003418.5 (MANE Select); coding-DNA position 231, C replaced by T.
Protein change: p.Cys77=; no amino-acid change (cysteine 77 retained).
Molecular consequence: synonymous variant.
Genome position (GRCh38, 1-based): chr3:129,171,264, G>A on the plus strand (C>T on the coding strand, the complement: CNBP is on the minus strand). VCF-style: chr3-129171264-G-A. GRCh37 (hg19) VCF-style: chr3-128890107-G-A.
Other names: c.237C>T, p.Cys79= (NM_001127192.2); c.234C>T, p.Cys78= (NM_001127193.2); c.216C>T, p.Cys72= (NM_001127194.2); c.213C>T, p.Cys71= (NM_001127195.2); c.210C>T, p.Cys70= (NM_001127196.2).
Identifiers: ClinVar variation 3044454 (VCV003044454.2), dbSNP rs767954262, ClinGen allele CA2603289.
Genomic context (GRCh38, chr3:129,171,264, plus strand): 5'-GCATTGCTCTCGCTCTCTCTTGGGCTCCTTGCAGTCCTTGGCAATGTGGCCACCTCTACC[G>A]CAGTTATAGCAGGCTTCAACAATAAGGAAAAGAAACAGGCCAAGACTATAAAACCTTTAC-3'
Protein context (NP_003409.1, residues 67-87): CDLQEDACYN[Cys77=]GRGGHIAKDC